The following is an entry in ClinVar:

ClinVar aggregate classification (germline): Uncertain significance (1 of 4 stars; one submission).

Submission:

GeneDx
Classification: Uncertain significance. Last evaluated: 2023-11-09. Review status: criteria provided, single submitter. Criteria: GeneDx Variant Classification Process June 2021. Collection method: clinical testing. Allele origin: germline. Affected: yes.
Comment: Not observed at significant frequency in large population cohorts (gnomAD); In silico analysis supports that this missense variant has a deleterious effect on protein structure/function; Has not been previously published as pathogenic or benign to our knowledge

NM_001394062.1(MACF1):c.20434C>G (p.Leu6812Val)

Gene: MACF1 (microtubule actin crosslinking factor 1; plus strand). Cytogenetic location: 1p34.3.
Variant type: single nucleotide variant.
Coding change: c.20434C>G on transcript NM_001394062.1 (MANE Select); coding-DNA position 20434, C replaced by G.
Protein change: p.Leu6812Val; replaces leucine 6812 with valine.
Molecular consequence: missense variant.
Genome position (GRCh38, 1-based): chr1:39,452,171, C>G. VCF-style: chr1-39452171-C-G. GRCh37 (hg19) VCF-style: chr1-39917843-C-G.
Other names: c.8512C>G, p.Leu2838Val (NM_001397473.1); c.14257C>G, p.Leu4753Val (NM_012090.5); short protein forms L2838V, L4753V, L6812V.
Identifiers: ClinVar variation 3364107 (VCV003364107.1).